The following is an entry in ClinVar:

NM_001290060.2(SEMA3B):c.2001G>T (p.Gln667His)

Gene: SEMA3B (semaphorin 3B; plus strand). Cytogenetic location: 3p21.31.
Variant type: single nucleotide variant.
Coding change: c.2001G>T on transcript NM_001290060.2 (MANE Select); coding-DNA position 2001, G replaced by T.
Protein change: p.Gln667His; replaces glutamine 667 with histidine.
Molecular consequence: missense variant. On other transcripts: non-coding transcript variant (1).
Genome position (GRCh38, 1-based): chr3:50,276,457, G>T. VCF-style: chr3-50276457-G-T. GRCh37 (hg19) VCF-style: chr3-50313888-G-T.
Other names: c.1998G>T, p.Gln666His (NM_001005914.3); c.2016G>T, p.Gln672His (NM_001290061.1); c.972G>T, p.Gln324His (NM_001290062.2, NM_001290063.2); c.2001G>T, p.Gln667His (NM_004636.4); short protein forms Q324H, Q666H, Q667H, Q672H.
Identifiers: ClinVar variation 3053980 (VCV003053980.3), dbSNP rs781933349, ClinGen allele CA2414202.
Genomic context (GRCh38, chr3:50,276,457, plus strand): 5'-CGAGCAGGGCTTTACGCAACCGCTGCGTCGCCTGTCGCTGCACGTGTTGAGTGCTACGCA[G>T]GCCGAACGACTGGCGCGGGCCGAGGAGGCTGCGCCCGCCGCGCCGCCGGGCCCCAAACTC-3'
Protein context (NP_001276989.1, residues 657-677): RLSLHVLSAT[Gln667His]AERLARAEEA

ClinVar aggregate classification (germline): Uncertain significance (1 of 4 stars; one submission).

Conditions:
SEMA3B-related disorder. Also called: SEMA3B-related condition.

Allele frequency attached by ClinVar (database versions not stated): TOPMed 0.00003; gnomAD 0.00004; gnomAD exomes 0.00006; ExAC 0.00009.
gnomAD v4.1: 86 of 1,533,582 alleles (0.0056%); highest among the groups gnomAD compares: Non-Finnish European, 0.0071%; no homozygotes.

Submission:

PreventionGenetics, part of Exact Sciences
Classification: Uncertain significance for SEMA3B-related condition. Last evaluated: 2026-01-12. Review status: criteria provided, single submitter. Criteria: ACMG Guidelines, 2015. Collection method: clinical testing. Allele origin: germline.
Comment: The SEMA3B c.2016G>T variant is predicted to result in the amino acid substitution p.Gln672His. To our knowledge, this variant has not been reported in the literature. This variant is reported in 0.0079% of alleles in individuals of European (Non-Finnish) descent in gnomAD. At this time, the clinical significance of this variant is uncertain due to the absence of conclusive functional and genetic evidence.